The following is an entry in ClinVar:

ClinVar aggregate classification (germline): Uncertain significance (1 of 4 stars; one submission).

Conditions:
Charcot-Marie-Tooth disease type 2. Also called: Charcot-Marie-Tooth type 2. Identifiers: Orphanet 64746, MedGen C0270914, MONDO:0018993.

Submission:

Labcorp Genetics (formerly Invitae), Labcorp
Classification: Uncertain significance for Charcot-Marie-Tooth disease type 2. Last evaluated: 2024-06-22. Review status: criteria provided, single submitter. Criteria: Invitae Variant Classification Sherloc (09022015). Collection method: clinical testing. Allele origin: germline.
Comment: This sequence change replaces proline, which is neutral and non-polar, with leucine, which is neutral and non-polar, at codon 47 of the GARS protein (p.Pro47Leu). This variant is not present in population databases (gnomAD no frequency). This variant has not been reported in the literature in individuals affected with GARS-related conditions. Advanced modeling of protein sequence and biophysical properties (such as structural, functional, and spatial information, amino acid conservation, physicochemical variation, residue mobility, and thermodynamic stability) performed at Invitae indicates that this missense variant is not expected to disrupt GARS protein function with a negative predictive value of 95%. In summary, the available evidence is currently insufficient to determine the role of this variant in disease. Therefore, it has been classified as a Variant of Uncertain Significance.

NM_002047.4(GARS1):c.140C>T (p.Pro47Leu)

Gene: GARS1 (glycyl-tRNA synthetase 1; plus strand). Cytogenetic location: 7p14.3.
Variant type: single nucleotide variant.
Coding change: c.140C>T on transcript NM_002047.4 (MANE Select); coding-DNA position 140, C replaced by T.
Protein change: p.Pro47Leu; replaces proline 47 with leucine.
Molecular consequence: missense variant. On other transcripts: 5 prime UTR variant (1).
Genome position (GRCh38, 1-based): chr7:30,595,061, C>T. VCF-style: chr7-30595061-C-T. GRCh37 (hg19) VCF-style: chr7-30634677-C-T.
Other names: c.-23C>T (NM_001316772.1); short protein forms P47L.
Identifiers: ClinVar variation 3603574 (VCV003603574.2).